The following is an entry in ClinVar:

NM_182972.3(IRF2BP2):c.522G>C (p.Gln174His)

Gene: IRF2BP2 (interferon regulatory factor 2 binding protein 2; minus strand). Cytogenetic location: 1q42.3.
Variant type: single nucleotide variant.
Coding change: c.522G>C on transcript NM_182972.3 (MANE Select); coding-DNA position 522, G replaced by C.
Protein change: p.Gln174His; replaces glutamine 174 with histidine.
Molecular consequence: missense variant.
Genome position (GRCh38, 1-based): chr1:234,608,973, C>G on the plus strand (G>C on the coding strand, the complement: IRF2BP2 is on the minus strand). VCF-style: chr1-234608973-C-G. GRCh37 (hg19) VCF-style: chr1-234744719-C-G.
Other names: c.522G>C, p.Gln174His (NM_001077397.1); short protein forms Q174H.
Identifiers: ClinVar variation 1177513 (VCV001177513.10), dbSNP rs1346043758, ClinGen allele CA345309897.

ClinVar aggregate classification (germline): Uncertain significance (1 of 4 stars; one submission).

Allele frequency attached by ClinVar (database versions not stated): TOPMed below 0.00001; gnomAD 0.00001.
gnomAD v4.1: 7 of 1,359,594 alleles (0.00051%); highest among the groups gnomAD compares: Non-Finnish European, 0.00066%; no homozygotes.

Submission:

Labcorp Genetics (formerly Invitae), Labcorp
Classification: Uncertain significance. Last evaluated: 2023-11-19. Review status: criteria provided, single submitter. Criteria: Invitae Variant Classification Sherloc (09022015). Collection method: clinical testing. Allele origin: germline.
Comment: This sequence change replaces glutamine, which is neutral and polar, with histidine, which is basic and polar, at codon 174 of the IRF2BP2 protein (p.Gln174His). This variant is not present in population databases (gnomAD no frequency). This variant has not been reported in the literature in individuals affected with IRF2BP2-related conditions. ClinVar contains an entry for this variant (Variation ID: 1177513). An algorithm developed to predict the effect of missense changes on protein structure and function (PolyPhen-2) suggests that this variant is likely to be disruptive. In summary, the available evidence is currently insufficient to determine the role of this variant in disease. Therefore, it has been classified as a Variant of Uncertain Significance.